The following is an entry in ClinVar:

ClinVar aggregate classification (germline): Uncertain significance (1 of 4 stars; one submission).

Conditions:
Inborn genetic diseases. Identifiers: MedGen C0950123, MeSH D030342.

gnomAD v4.1: 2 of 1,613,970 alleles (0.00012%); highest among the groups gnomAD compares: Non-Finnish European, 0.00017%; no homozygotes.

Submission:

Ambry Genetics
Classification: Uncertain significance for Inborn genetic diseases. Last evaluated: 2025-11-23. Review status: criteria provided, single submitter. Criteria: Ambry Variant Classification Scheme 2023. Collection method: clinical testing. Allele origin: germline.
Comment: The p.D344Y variant (also known as c.1030G>T), located in coding exon 8 of the BMPR2 gene, results from a G to T substitution at nucleotide position 1030. The aspartic acid at codon 344 is replaced by tyrosine, an amino acid with highly dissimilar properties. This amino acid position is conserved. In addition, this alteration is predicted to be deleterious by in silico analysis. Based on the available evidence, the clinical significance of this variant remains unclear.

NM_001204.7(BMPR2):c.1030G>T (p.Asp344Tyr)

Gene: BMPR2 (bone morphogenetic protein receptor type 2; plus strand). Cytogenetic location: 2q33.2.
Variant type: single nucleotide variant.
Coding change: c.1030G>T on transcript NM_001204.7 (MANE Select); coding-DNA position 1030, G replaced by T.
Protein change: p.Asp344Tyr; replaces aspartic acid 344 with tyrosine.
Molecular consequence: missense variant.
Genome position (GRCh38, 1-based): chr2:202,530,856, G>T. VCF-style: chr2-202530856-G-T. GRCh37 (hg19) VCF-style: chr2-203395579-G-T.
Other names: short protein forms D344Y.
Identifiers: ClinVar variation 4597858 (VCV004597858.1).